The following is an entry in ClinVar:

NM_002335.4(LRP5):c.184C>G (p.Leu62Val)

Gene: LRP5 (LDL receptor related protein 5; plus strand). Cytogenetic location: 11q13.2.
Variant type: single nucleotide variant.
Coding change: c.184C>G on transcript NM_002335.4 (MANE Select); coding-DNA position 184, C replaced by G.
Protein change: p.Leu62Val; replaces leucine 62 with valine.
Molecular consequence: missense variant. On other transcripts: 5 prime UTR variant (1).
Genome position (GRCh38, 1-based): chr11:68,347,939, C>G. VCF-style: chr11-68347939-C-G. GRCh37 (hg19) VCF-style: chr11-68115407-C-G.
Other names: c.-1582C>G (NM_001291902.2); short protein forms L62V.
Identifiers: ClinVar variation 1372644 (VCV001372644.6), dbSNP rs2098614678, ClinGen allele CA381610233.

ClinVar aggregate classification (germline): Uncertain significance (1 of 4 stars; one submission).

Submission:

Labcorp Genetics (formerly Invitae), Labcorp
Classification: Uncertain significance. Last evaluated: 2025-04-28. Review status: criteria provided, single submitter. Criteria: Invitae Variant Classification Sherloc (09022015). Collection method: clinical testing. Allele origin: germline.
Comment: This sequence change replaces leucine, which is neutral and non-polar, with valine, which is neutral and non-polar, at codon 62 of the LRP5 protein (p.Leu62Val). This variant is not present in population databases (gnomAD no frequency). This variant has not been reported in the literature in individuals affected with LRP5-related conditions. ClinVar contains an entry for this variant (Variation ID: 1372644). Invitae Evidence Modeling of protein sequence and biophysical properties (such as structural, functional, and spatial information, amino acid conservation, physicochemical variation, residue mobility, and thermodynamic stability) has been performed for this missense variant. However, the output from this modeling did not meet the statistical confidence thresholds required to predict the impact of this variant on LRP5 protein function. In summary, the available evidence is currently insufficient to determine the role of this variant in disease. Therefore, it has been classified as a Variant of Uncertain Significance.